The following is an entry in ClinVar:

NM_001130438.3(SPTAN1):c.3641G>A (p.Arg1214His)

Gene: SPTAN1 (spectrin alpha, non-erythrocytic 1; plus strand). Cytogenetic location: 9q34.11.
Variant type: single nucleotide variant.
Coding change: c.3641G>A on transcript NM_001130438.3 (MANE Select); coding-DNA position 3641, G replaced by A.
Protein change: p.Arg1214His; replaces arginine 1214 with histidine.
Molecular consequence: missense variant.
Genome position (GRCh38, 1-based): chr9:128,604,339, G>A. VCF-style: chr9-128604339-G-A. GRCh37 (hg19) VCF-style: chr9-131366618-G-A.
Other names: c.3581G>A, p.Arg1194His (NM_001195532.2, NM_001363765.2, NM_001375314.2); c.3641G>A, p.Arg1214His (NM_001363759.2, NM_001375310.1, NM_001375311.2 and 2 more transcripts); c.3677G>A, p.Arg1226His (NM_001375312.2, NM_001375318.1); short protein forms R1194H, R1226H, R1214H.
Identifiers: ClinVar variation 810435 (VCV000810435.47), dbSNP rs780184944, ClinGen allele CA5265006.

ClinVar aggregate classification (germline): Uncertain significance. Review status: criteria provided, multiple submitters, no conflicts (2 of 4 stars). 3 submissions from 3 submitters: Uncertain significance (3). Last evaluated 2024-07-26.

Conditions:
Early-infantile DEE. Also called: Ohtahara syndrome; Early infantile epileptic encephalopathy with suppression bursts; Early infantile epileptic encephalopathy. Identifiers: Orphanet 1934, MedGen C0393706, MONDO:0800491.

Allele frequency attached by ClinVar (database versions not stated): gnomAD exomes 0.00001 and 0.00002; ExAC 0.00003.
gnomAD v4.1: 5 of 1,613,986 alleles (0.00031%); highest among the groups gnomAD compares: Admixed American, 0.005%; no homozygotes.

Submissions (3):

Revvity Omics, Revvity
Classification: Uncertain significance. Last evaluated: 2024-07-26. Review status: criteria provided, single submitter. Criteria: ACMG Guidelines, 2015. Collection method: clinical testing. Allele origin: germline.

Labcorp Genetics (formerly Invitae), Labcorp
Classification: Uncertain significance for Early-infantile DEE. Last evaluated: 2023-06-21. Review status: criteria provided, single submitter. Criteria: Invitae Variant Classification Sherloc (09022015). Collection method: clinical testing. Allele origin: germline.
Comment: This sequence change replaces arginine, which is basic and polar, with histidine, which is basic and polar, at codon 1214 of the SPTAN1 protein (p.Arg1214His). This variant is present in population databases (rs780184944, gnomAD 0.009%). This variant has not been reported in the literature in individuals affected with SPTAN1-related conditions. ClinVar contains an entry for this variant (Variation ID: 810435). Advanced modeling of protein sequence and biophysical properties (such as structural, functional, and spatial information, amino acid conservation, physicochemical variation, residue mobility, and thermodynamic stability) has been performed at Invitae for this missense variant, however the output from this modeling did not meet the statistical confidence thresholds required to predict the impact of this variant on SPTAN1 protein function. In summary, the available evidence is currently insufficient to determine the role of this variant in disease. Therefore, it has been classified as a Variant of Uncertain Significance.

CeGaT Center for Human Genetics Tuebingen
Classification: Uncertain significance. Last evaluated: 2018-10-01. Review status: criteria provided, single submitter. Criteria: CeGaT Center For Human Genetics Tuebingen Variant Classification Criteria Version 2. Collection method: clinical testing. Allele origin: germline. Affected: yes. Observed: 1 variant allele.